The following is an entry in ClinVar:

NM_001401501.2(MUC16):c.11829A>G (p.Val3943=)

Gene: MUC16 (mucin 16, cell surface associated; minus strand). Cytogenetic location: 19p13.2.
Variant type: single nucleotide variant.
Coding change: c.11829A>G on transcript NM_001401501.2 (MANE Select); coding-DNA position 11829, A replaced by G.
Protein change: p.Val3943=; no amino-acid change (valine 3943 retained).
Molecular consequence: synonymous variant.
Genome position (GRCh38, 1-based): chr19:8,965,061, T>C on the plus strand (A>G on the coding strand, the complement: MUC16 is on the minus strand). VCF-style: chr19-8965061-T-C. GRCh37 (hg19) VCF-style: chr19-9075737-T-C.
Other names: c.12255A>G, p.Val4085= (NM_001414686.1); c.11709A>G, p.Val3903= (NM_001414687.1, NM_024690.2).
Identifiers: ClinVar variation 3060594 (VCV003060594.2), dbSNP rs2547071, ClinGen allele CA9171189.

ClinVar aggregate classification (germline): Benign (0 of 4 stars; one submission).

Conditions:
MUC16-related disorder. Also called: MUC16-related condition.

Allele frequency attached by ClinVar (database versions not stated): ExAC 0.42000; ESP Exome Variant Server 0.42799; gnomAD 0.42819; gnomAD exomes 0.43053; TOPMed 0.44064; 1000 Genomes Project 0.45607; 1000 Genomes Project 30x 0.46018.

Submission:

PreventionGenetics, part of Exact Sciences
Classification: Benign for MUC16-related condition. Last evaluated: 2019-10-17. Review status: no assertion criteria provided. Collection method: clinical testing. Allele origin: germline.
Comment: This variant is classified as benign based on ACMG/AMP sequence variant interpretation guidelines (Richards et al. 2015 PMID: 25741868, with internal and published modifications).